The following is an entry in ClinVar:

NM_000140.5(FECH):c.384C>T (p.Gly128=)

Gene: FECH (ferrochelatase; minus strand). Cytogenetic location: 18q21.31.
Variant type: single nucleotide variant.
Coding change: c.384C>T on transcript NM_000140.5 (MANE Select); coding-DNA position 384, C replaced by T.
Protein change: p.Gly128=; no amino-acid change (glycine 128 retained).
Molecular consequence: synonymous variant.
Genome position (GRCh38, 1-based): chr18:57,571,471, G>A on the plus strand (C>T on the coding strand, the complement: FECH is on the minus strand). VCF-style: chr18-57571471-G-A. GRCh37 (hg19) VCF-style: chr18-55238703-G-A.
Other names: c.402C>T, p.Gly134= (NM_001012515.4); c.384C>T, p.Gly128= (NM_001371094.1, NM_001374778.1); c.168C>T, p.Gly56= (NM_001371095.1); c.384C>T (NM_000140.3).
Identifiers: ClinVar variation 2069985 (VCV002069985.7), dbSNP rs147957685, ClinGen allele CA8973213.
Genomic context (GRCh38, chr18:57,571,471, plus strand): 5'-ATCCAGCAGCTTCACCATGCCCTCTCCCTGCTTGGAAGTCCATATCTTGATGGGGGATCC[G>A]CCTCCAATCCTGCGGTACTGCTCTTGAATCTTGGGGGTTCGGCGTTTGGCGATGAATGGT-3'
Protein context (NP_000131.2, residues 118-138): KIQEQYRRIG[Gly128=]GSPIKIWTSK

ClinVar aggregate classification (germline): Benign. Review status: criteria provided, single submitter (1 of 4 stars). 2 submissions from 2 submitters: Benign (1). 1 of the submissions does not count toward it. Last evaluated 2025-08-08.

Conditions:
FECH-related disorder. Also called: FECH-related condition.

Allele frequency attached by ClinVar (database versions not stated): gnomAD exomes 0.00006; ExAC 0.00016; 1000 Genomes Project 30x 0.00031; 1000 Genomes Project 0.00040; gnomAD 0.00050; TOPMed 0.00070; ESP Exome Variant Server 0.00100.
gnomAD v4.1: 166 of 1,613,924 alleles (0.01%); highest among the groups gnomAD compares: African/African-American, 0.15%; 1 homozygote.

Submissions (3):

Labcorp Genetics (formerly Invitae), Labcorp
Classification: Benign. Last evaluated: 2025-08-08. Review status: criteria provided, single submitter. Criteria: Invitae Variant Classification Sherloc (09022015). Collection method: clinical testing. Allele origin: germline.

PreventionGenetics, part of Exact Sciences
Classification: Likely benign for FECH-related condition. Last evaluated: 2022-07-18. Review status: no assertion criteria provided. Collection method: clinical testing. Allele origin: germline. Not counted in ClinVar's aggregate classification.
Comment: This variant is classified as likely benign based on ACMG/AMP sequence variant interpretation guidelines (Richards et al. 2015 PMID: 25741868, with internal and published modifications).

Dr. Peter K. Rogan Lab, Western University
No classification provided (evidence only). Condition: Familial cancer of breast. Review status: no classification provided. Collection method: in vitro. Allele origin: not applicable. Functional consequence: retained intron. Not counted in ClinVar's aggregate classification.